The following is an entry in ClinVar:

NM_000350.3(ABCA4):c.2852T>C (p.Ile951Thr)

Gene: ABCA4 (ATP binding cassette subfamily A member 4; minus strand). Cytogenetic location: 1p22.1.
Variant type: single nucleotide variant.
Coding change: c.2852T>C on transcript NM_000350.3 (MANE Select); coding-DNA position 2852, T replaced by C.
Protein change: p.Ile951Thr; replaces isoleucine 951 with threonine.
Molecular consequence: missense variant.
Genome position (GRCh38, 1-based): chr1:94,046,985, A>G on the plus strand (T>C on the coding strand, the complement: ABCA4 is on the minus strand). VCF-style: chr1-94046985-A-G. GRCh37 (hg19) VCF-style: chr1-94512541-A-G.
Other names: c.2630T>C, p.Ile877Thr (NM_001425324.1); short protein forms I951T, I877T.
Identifiers: ClinVar variation 1003785 (VCV001003785.8), dbSNP rs1660702072, ClinGen allele CA341275416.
Genomic context (GRCh38, chr1:94,046,985, plus strand): 5'-GTGGTTTTCCCAGCTCCATTGTGGCCCAGGAATGCGGTGATCTGGTTCTCGTAGAAGGTG[A>G]TGTTCAGACGGTCCACAGCTGGCCGGCCACAGGGCTCAAAAATCTTTACCAGATTCTTCA-3'
Protein context (NP_000341.2, residues 941-961): CGRPAVDRLN[Ile951Thr]TFYENQITAF

ClinVar aggregate classification (germline): Likely pathogenic (1 of 4 stars; one submission).

Allele frequency attached by ClinVar (database versions not stated): gnomAD exomes below 0.00001.
gnomAD v4.1: 1 of 1,614,180 alleles (0.000062%); highest among the groups gnomAD compares: South Asian, 0.0011%; no homozygotes.

Submission:

Labcorp Genetics (formerly Invitae), Labcorp
Classification: Likely pathogenic. Last evaluated: 2025-07-07. Review status: criteria provided, single submitter. Criteria: Invitae Variant Classification Sherloc (09022015). Collection method: clinical testing. Allele origin: germline.
Comment: This sequence change replaces isoleucine, which is neutral and non-polar, with threonine, which is neutral and polar, at codon 951 of the ABCA4 protein (p.Ile951Thr). This variant is not present in population databases (gnomAD no frequency). This missense change has been observed in individual(s) with ABCA4-related condition (PMID: 35120629; internal data). ClinVar contains an entry for this variant (Variation ID: 1003785). Invitae Evidence Modeling of protein sequence and biophysical properties (such as structural, functional, and spatial information, amino acid conservation, physicochemical variation, residue mobility, and thermodynamic stability) indicates that this missense variant is expected to disrupt ABCA4 protein function with a positive predictive value of 95%. In summary, the currently available evidence indicates that the variant is pathogenic, but additional data are needed to prove that conclusively. Therefore, this variant has been classified as Likely Pathogenic.

Literature cited by the submitters: PubMed 35120629.